The following is an entry in ClinVar:

NM_001174147.2(LMX1B):c.1151G>A (p.Arg384His)

Gene: LMX1B (LIM homeobox transcription factor 1 beta; plus strand). Cytogenetic location: 9q33.3.
Variant type: single nucleotide variant.
Coding change: c.1151G>A on transcript NM_001174147.2 (MANE Select); coding-DNA position 1151, G replaced by A.
Protein change: p.Arg384His; replaces arginine 384 with histidine.
Molecular consequence: missense variant.
Genome position (GRCh38, 1-based): chr9:126,696,393, G>A. VCF-style: chr9-126696393-G-A. GRCh37 (hg19) VCF-style: chr9-129458672-G-A.
Other names: c.1163G>A, p.Arg388His (NM_001174146.2); c.1130G>A, p.Arg377His (NM_002316.4); short protein forms R377H, R384H, R388H.
Identifiers: ClinVar variation 635445 (VCV000635445.6), dbSNP rs143906016, ClinGen allele CA5242572.
Genomic context (GRCh38, chr9:126,696,393, plus strand): 5'-CCTTAACCAGCCTCAGCGACTGCTTCCTCGGCTCCTCAGACGTGGGCTCCCTGCAGGCCC[G>A]CGTGGGGAACCCCATCGACCGGCTCTACTCCATGCAGAGTTCCTACTTCGCCTCCTGAGA-3'
Protein context (NP_001167618.1, residues 374-394): GSSDVGSLQA[Arg384His]VGNPIDRLYS

ClinVar aggregate classification (germline): Uncertain significance. Review status: criteria provided, multiple submitters, no conflicts (2 of 4 stars). 4 submissions from 4 submitters: Uncertain significance (3). 1 of the submissions does not count toward it. Last evaluated 2024-10-30.

Conditions:
Nail-patella syndrome (NPS). Also called: TURNER-KIESER SYNDROME; FONG DISEASE; ONYCHOOSTEODYSPLASIA. Identifiers: Orphanet 2614, MedGen C0027341, MONDO:0008061, OMIM 161200.
Nail-patella-like renal disease. Also called: GLOMERULAR BASEMENT MEMBRANE DISEASE, NAIL-PATELLA SYNDROME TYPE; Focal Segmental Glomerulosclerosis 10. Identifiers: Orphanet 2613, MedGen C0403548, MONDO:0009724, OMIM 256020.
LMX1B-related disorder. Also called: LMX1B-related condition.

Allele frequency attached by ClinVar (database versions not stated): ExAC 0.00002; gnomAD 0.00002; gnomAD exomes 0.00002; TOPMed 0.00002; ESP Exome Variant Server 0.00008.
gnomAD v4.1: 24 of 1,613,914 alleles (0.0015%); highest among the groups gnomAD compares: African/African-American, 0.0027%; no homozygotes.

Submissions (4):

Labcorp Genetics (formerly Invitae), Labcorp
Classification: Uncertain significance. Last evaluated: 2024-10-30. Review status: criteria provided, single submitter. Criteria: Invitae Variant Classification Sherloc (09022015). Collection method: clinical testing. Allele origin: germline.
Comment: This sequence change replaces arginine, which is basic and polar, with histidine, which is basic and polar, at codon 377 of the LMX1B protein (p.Arg377His). This variant is present in population databases (rs143906016, gnomAD 0.007%). This missense change has been observed in individual(s) with LMX1B-related conditions (PMID: 33712733). ClinVar contains an entry for this variant (Variation ID: 635445). An algorithm developed to predict the effect of missense changes on protein structure and function (PolyPhen-2) suggests that this variant is likely to be disruptive. In summary, the available evidence is currently insufficient to determine the role of this variant in disease. Therefore, it has been classified as a Variant of Uncertain Significance.

Fulgent Genetics
Classification: Uncertain significance for Nail-patella syndrome; Nail-patella-like renal disease. Last evaluated: 2024-01-15. Review status: criteria provided, single submitter. Criteria: ACMG Guidelines, 2015. Collection method: clinical testing. Allele origin: germline.

PreventionGenetics, part of Exact Sciences
Classification: Uncertain significance for LMX1B-related condition. Last evaluated: 2023-03-27. Review status: criteria provided, single submitter. Criteria: ACMG Guidelines, 2015. Collection method: clinical testing. Allele origin: germline.
Comment: The LMX1B c.1130G>A variant is predicted to result in the amino acid substitution p.Arg377His. This variant has been reported in an individual with kidney disease (Schrezenmeier et al. 2021. PubMed ID: 33712733). This variant is reported in 0.0062% of alleles in individuals of African descent in gnomAD. At this time, the clinical significance of this variant is uncertain due to the absence of conclusive functional and genetic evidence.

Bioscientia Institut fuer Medizinische Diagnostik GmbH, Sonic Healthcare
Classification: Uncertain significance for Nail-patella syndrome. Last evaluated: 2018-11-09. Review status: no assertion criteria provided. Collection method: clinical testing. Allele origin: germline. Affected: yes. Not counted in ClinVar's aggregate classification.

Literature cited by the submitters: PubMed 33712733 (cited by Labcorp Genetics (formerly Invitae), Labcorp).